The following is an entry in ClinVar:

NM_023037.3(FRY):c.2867A>C (p.Asn956Thr)

Gene: FRY (FRY microtubule binding protein; plus strand). Cytogenetic location: 13q13.1.
Variant type: single nucleotide variant.
Coding change: c.2867A>C on transcript NM_023037.3 (MANE Select); coding-DNA position 2867, A replaced by C.
Protein change: p.Asn956Thr; replaces asparagine 956 with threonine.
Molecular consequence: missense variant.
Genome position (GRCh38, 1-based): chr13:32,179,029, A>C. VCF-style: chr13-32179029-A-C. GRCh37 (hg19) VCF-style: chr13-32753166-A-C.
Other names: c.2867A>C, p.Asn956Thr (NM_001411012.1); short protein forms N956T.
Identifiers: ClinVar variation 3355927 (VCV003355927.1).

ClinVar aggregate classification (germline): Uncertain significance (0 of 4 stars; one submission).

Conditions:
FRY-related condition.

Submission:

PreventionGenetics, part of Exact Sciences
Classification: Uncertain significance for FRY-related condition. Last evaluated: 2024-09-20. Review status: no assertion criteria provided. Collection method: clinical testing. Allele origin: germline.
Comment: The FRY c.2867A>C variant is predicted to result in the amino acid substitution p.Asn956Thr. To our knowledge, this variant has not been reported in the literature or in a large population database, indicating this variant is rare. At this time, the clinical significance of this variant is uncertain due to the absence of conclusive functional and genetic evidence.